The following is an entry in ClinVar:

NM_006180.6(NTRK2):c.859C>T (p.Pro287Ser)

Gene: NTRK2 (neurotrophic receptor tyrosine kinase 2; plus strand). Cytogenetic location: 9q21.33.
Variant type: single nucleotide variant.
Coding change: c.859C>T on transcript NM_006180.6 (MANE Select); coding-DNA position 859, C replaced by T.
Protein change: p.Pro287Ser; replaces proline 287 with serine.
Molecular consequence: missense variant. On other transcripts: intron variant (2).
Genome position (GRCh38, 1-based): chr9:84,727,659, C>T. VCF-style: chr9-84727659-C-T. GRCh37 (hg19) VCF-style: chr9-87342574-C-T.
Other names: c.859C>T, p.Pro287Ser (NM_001018064.3, NM_001018065.2, NM_001018066.3 and 16 more transcripts); c.391C>T, p.Pro131Ser (NM_001369535.1, NM_001369536.1, NM_001369550.1 and 2 more transcripts); c.854-34C>T (NM_001291937.2, NM_001369546.1); short protein forms P131S, P287S.
Identifiers: ClinVar variation 3765996 (VCV003765996.3).
Genomic context (GRCh38, chr9:84,727,659, plus strand): 5'-GATGGGGAGAATTCTGAGCTTTCTGATGCTATTAACTCTCTCTTTTTCAATTTAGTTGCA[C>T]CAACTATCACATTTCTCGAATCTCCAACCTCAGACCACCACTGGTGCATTCCATTCACTG-3'
Protein context (NP_006171.2, residues 277-297): DSVNLTVHFA[Pro287Ser]TITFLESPTS

ClinVar aggregate classification (germline): Uncertain significance. Review status: criteria provided, multiple submitters, no conflicts (2 of 4 stars). 2 submissions from 2 submitters: Uncertain significance (2). Last evaluated 2026-08-14.

Submissions (2):

GeneDx
Classification: Uncertain significance. Last evaluated: 2026-08-14. Review status: criteria provided, single submitter. Criteria: GeneDx Variant Classification Process June 2021. Collection method: clinical testing. Allele origin: germline.
Comment: Not observed at significant frequency in large population cohorts (gnomAD); In silico analysis supports that this missense variant has a deleterious effect on protein structure/function; Has not been previously published as pathogenic or benign to our knowledge

Labcorp Genetics (formerly Invitae), Labcorp
Classification: Uncertain significance. Last evaluated: 2025-12-16. Review status: criteria provided, single submitter. Criteria: Invitae Variant Classification Sherloc (09022015). Collection method: clinical testing. Allele origin: germline.
Comment: This sequence change replaces proline, which is neutral and non-polar, with serine, which is neutral and polar, at codon 287 of the NTRK2 protein (p.Pro287Ser). This variant is not present in population databases (gnomAD no frequency). This variant has not been reported in the literature in individuals affected with NTRK2-related conditions. ClinVar contains an entry for this variant (Variation ID: 3765996). Invitae Evidence Modeling of protein sequence and biophysical properties (such as structural, functional, and spatial information, amino acid conservation, physicochemical variation, residue mobility, and thermodynamic stability) indicates that this missense variant is not expected to disrupt NTRK2 protein function with a negative predictive value of 80%. In summary, the available evidence is currently insufficient to determine the role of this variant in disease. Therefore, it has been classified as a Variant of Uncertain Significance.